The following is an entry in ClinVar:

NM_001018005.2(TPM1):c.240+3965del

Genes: TPM1 (tropomyosin 1; plus strand), TPM1-AS (TPM1 antisense RNA; minus strand). Cytogenetic location: 15q22.2.
Variant type: Deletion.
Coding change: c.240+3965del on transcript NM_001018005.2 (MANE Select); 3965 bases into the intron after coding-DNA position 240, one base deleted (A; older notation c.240+3965delA).
Molecular consequence: intron variant. On other transcripts: non-coding transcript variant (1).
Genome position (GRCh38, 1-based): chr15:63,048,117, A deleted. VCF-style (leftmost placement, unchanged base first): chr15-63048116-GA-G. GRCh37 (hg19) VCF-style: chr15-63340315-GA-G.
Other names: c.366+3965del (NM_001365778.1); c.240+4286del (NM_001018020.2, NM_001018007.2, NM_001301244.2); c.240+3965del (NM_001018006.2, NM_001365776.1, NM_001018004.2 and 3 more transcripts).
Identifiers: ClinVar variation 673393 (VCV000673393.1), dbSNP rs201173447, ClinGen allele CA027933.

ClinVar aggregate classification (germline): Likely benign (1 of 4 stars; one submission).

Allele frequency attached by ClinVar (database versions not stated): 1000 Genomes Project 0.00439; 1000 Genomes Project 30x 0.00468; TOPMed 0.00588; gnomAD 0.00701 and 0.00720; gnomAD exomes 0.00812 and 0.00965; ExAC 0.01224.

Submission:

GeneDx
Classification: Likely benign. Last evaluated: 2018-06-16. Review status: criteria provided, single submitter. Criteria: GeneDx Variant Classification (06012015). Collection method: clinical testing. Allele origin: germline. Affected: yes.
Comment: This variant is considered likely benign or benign based on one or more of the following criteria: it is a conservative change, it occurs at a poorly conserved position in the protein, it is predicted to be benign by multiple in silico algorithms, and/or has population frequency not consistent with disease.